The following is an entry in ClinVar:

ClinVar aggregate classification (germline): Likely benign (1 of 4 stars; one submission).

Allele frequency attached by ClinVar (database versions not stated): TOPMed 0.00417; gnomAD exomes 0.00685; 1000 Genomes Project 30x 0.01093; gnomAD 0.01112; 1000 Genomes Project 0.01178.
gnomAD v4.1: 6,243 of 921,978 alleles (0.68%); highest among the groups gnomAD compares: East Asian, 6.7%; 163 homozygotes.

Submission:

GeneDx
Classification: Likely benign. Last evaluated: 2018-06-14. Review status: criteria provided, single submitter. Criteria: GeneDx Variant Classification (06012015). Collection method: clinical testing. Allele origin: germline. Affected: yes.
Comment: This variant is considered likely benign or benign based on one or more of the following criteria: it is a conservative change, it occurs at a poorly conserved position in the protein, it is predicted to be benign by multiple in silico algorithms, and/or has population frequency not consistent with disease.

NM_002474.3(MYH11):c.531-128C>A

Gene: MYH11 (myosin heavy chain 11; minus strand). Cytogenetic location: 16p13.11.
Variant type: single nucleotide variant.
Coding change: c.531-128C>A on transcript NM_002474.3 (MANE Select); 128 bases into the intron before coding-DNA position 531, C replaced by A.
Molecular consequence: intron variant.
Genome position (GRCh38, 1-based): chr16:15,786,860, G>T on the plus strand (C>A on the coding strand, the complement: MYH11 is on the minus strand). VCF-style: chr16-15786860-G-T. GRCh37 (hg19) VCF-style: chr16-15880717-G-T.
Other names: c.531-128C>A (NM_022844.3, NM_001040114.2, NM_001040113.2).
Identifiers: ClinVar variation 676632 (VCV000676632.1), dbSNP rs116914820, ClinGen allele CA278600543.